The following continues an entry in ClinVar:

NM_000059.4(BRCA2):c.8686C>T (p.Arg2896Cys)

Gene: BRCA2. ClinVar aggregate classification (germline): Conflicting classifications of pathogenicity. Uncertain significance (10); Likely benign (3).

Submissions 12 to 15 of 15:

CHEO Genetics Diagnostic Laboratory, Children's Hospital of Eastern Ontario
Classification: Uncertain significance for Breast and/or ovarian cancer. Last evaluated: 2015-10-08. Review status: criteria provided, single submitter. Criteria: ACMG Guidelines, 2015. Collection method: clinical testing. Allele origin: germline. Study: Canadian Open Genetics Repository.

Neuberg Centre For Genomic Medicine, NCGM
Classification: Uncertain significance for Breast-ovarian cancer, familial, susceptibility to, 2. Review status: criteria provided, single submitter. Criteria: ACMG Guidelines, 2015. Collection method: clinical testing. Allele origin: germline. Inheritance: Autosomal dominant inheritance. Affected: yes.
Comment: The missense variant p.Arg2896Cys in BRCA2 (NM_000059.3) has been submitted to ClinVar as Uncertain Significance. This variant has a frequency of 0.001990 % in the gnomAD database. In silico tools predict the variant to be tolerated. The residue is conserved across species. The amino acid change p.Arg2896Cys in BRCA2 is predicted as conserved by GERP++ and PhyloP across 100 vertebrates.. For these reasons, this variant has been classified as Uncertain significance.

Joint Genome Diagnostic Labs from Nijmegen and Maastricht, Radboudumc and MUMC+
Classification: Uncertain significance. Review status: no assertion criteria provided. Collection method: clinical testing. Allele origin: germline. Affected: yes. Study: VKGL Data-share Consensus. Not counted in ClinVar's aggregate classification.

Laboratory of Diagnostic Genome Analysis, Leiden University Medical Center (LUMC)
Classification: Uncertain significance. Review status: no assertion criteria provided. Collection method: clinical testing. Allele origin: germline. Affected: yes. Study: VKGL Data-share Consensus. Not counted in ClinVar's aggregate classification.

Literature cited by the submitters: PubMed 35451682 (cited by 3 submitters); PubMed 37922907 (cited by 3 submitters); PubMed 39402389 (cited by Quest Diagnostics Nichols Institute San Juan Capistrano); PubMed 35979650 (cited by Quest Diagnostics Nichols Institute San Juan Capistrano); PubMed 31911673 (cited by Quest Diagnostics Nichols Institute San Juan Capistrano); PubMed 31853058 (cited by Quest Diagnostics Nichols Institute San Juan Capistrano); PubMed 27882345 (cited by Quest Diagnostics Nichols Institute San Juan Capistrano); PubMed 31645765 (cited by Quest Diagnostics Nichols Institute San Juan Capistrano); PubMed 36922933 (cited by Quest Diagnostics Nichols Institute San Juan Capistrano); PubMed 38566028 (cited by Quest Diagnostics Nichols Institute San Juan Capistrano); PubMed 38153744 (cited by Quest Diagnostics Nichols Institute San Juan Capistrano); PubMed 39779848 (cited by Quest Diagnostics Nichols Institute San Juan Capistrano); PubMed 33471991 (cited by Quest Diagnostics Nichols Institute San Juan Capistrano and Ambry Genetics); PubMed 32444794 (cited by Quest Diagnostics Nichols Institute San Juan Capistrano and Ambry Genetics); PubMed 28726806 (cited by Quest Diagnostics Nichols Institute San Juan Capistrano and Ambry Genetics); PubMed 27930734 (cited by 3 submitters); PubMed 32590950 (cited by Quest Diagnostics Nichols Institute San Juan Capistrano).